The following is an entry in ClinVar:

ClinVar aggregate classification (germline): Uncertain significance. Review status: criteria provided, multiple submitters, no conflicts (2 of 4 stars). 2 submissions from 2 submitters: Uncertain significance (2). Last evaluated 2025-05-09.

Conditions:
Hereditary cancer-predisposing syndrome. Also called: Hereditary neoplastic syndrome; Tumor predisposition; Neoplastic Syndromes, Hereditary; Hereditary Cancer Syndrome. Identifiers: Orphanet 140162, MedGen C0027672, MeSH D009386, MONDO:0015356.
POLD1-related polyposis and colorectal cancer syndrome (CRCS10). Also called: Colorectal cancer 10; COLORECTAL CANCER, SUSCEPTIBILITY TO, ON CHROMOSOME 19q; Colorectal cancer, susceptibility to, 10. Identifiers: Orphanet 220460, MedGen C2675481, MONDO:0012953, OMIM 612591.

Submissions (2):

Ambry Genetics
Classification: Uncertain significance for Hereditary cancer-predisposing syndrome. Last evaluated: 2025-05-09. Review status: criteria provided, single submitter. Criteria: Ambry Variant Classification Scheme 2023. Collection method: clinical testing. Allele origin: germline.
Comment: The p.P818T variant (also known as c.2452C>A), located in coding exon 19 of the POLD1 gene, results from a C to A substitution at nucleotide position 2452. The proline at codon 818 is replaced by threonine, an amino acid with highly similar properties. This amino acid position is conserved. In addition, this alteration is predicted to be tolerated by in silico analysis. Based on the available evidence, the clinical significance of this variant remains unclear.

Labcorp Genetics (formerly Invitae), Labcorp
Classification: Uncertain significance for POLD1-related polyposis and colorectal cancer syndrome. Last evaluated: 2024-08-29. Review status: criteria provided, single submitter. Criteria: Invitae Variant Classification Sherloc (09022015). Collection method: clinical testing. Allele origin: germline.
Comment: This sequence change replaces proline, which is neutral and non-polar, with threonine, which is neutral and polar, at codon 818 of the POLD1 protein (p.Pro818Thr). This variant is not present in population databases (gnomAD no frequency). This variant has not been reported in the literature in individuals affected with POLD1-related conditions. ClinVar contains an entry for this variant (Variation ID: 940875). Invitae Evidence Modeling of protein sequence and biophysical properties (such as structural, functional, and spatial information, amino acid conservation, physicochemical variation, residue mobility, and thermodynamic stability) indicates that this missense variant is not expected to disrupt POLD1 protein function with a negative predictive value of 80%. In summary, the available evidence is currently insufficient to determine the role of this variant in disease. Therefore, it has been classified as a Variant of Uncertain Significance.

NM_002691.4(POLD1):c.2452C>A (p.Pro818Thr)

Gene: POLD1 (DNA polymerase delta 1, catalytic subunit; plus strand). Cytogenetic location: 19q13.33.
Variant type: single nucleotide variant.
Coding change: c.2452C>A on transcript NM_002691.4 (MANE Select); coding-DNA position 2452, C replaced by A.
Protein change: p.Pro818Thr; replaces proline 818 with threonine.
Molecular consequence: missense variant. On other transcripts: non-coding transcript variant (1).
Genome position (GRCh38, 1-based): chr19:50,414,878, C>A. VCF-style: chr19-50414878-C-A. GRCh37 (hg19) VCF-style: chr19-50918135-C-A.
Other names: c.2452C>A, p.Pro818Thr (NM_001256849.1); c.2530C>A, p.Pro844Thr (NM_001308632.1); c.2452C>A (NM_002691.2); short protein forms P818T, P844T.
Identifiers: ClinVar variation 940875 (VCV000940875.9), dbSNP rs2039217210, ClinGen allele CA406984765.